The following is an entry in ClinVar:

ClinVar aggregate classification (germline): Benign/Likely benign. Review status: criteria provided, multiple submitters, no conflicts (2 of 4 stars). 3 submissions from 3 submitters: Benign (1); Likely benign (1). 1 of the submissions does not count toward it. Last evaluated 2025-07-26.

Conditions:
OPTN-related disorder. Also called: OPTN-related disorders; OPTN-related condition.
Glaucoma 1, open angle, E. Identifiers: MedGen C1842026, MONDO:0007665.
Primary open angle glaucoma (POAG). Also called: OPTN-related open angle glaucoma. Identifiers: MedGen C0339573, MONDO:0100553, OMIM 137760.
Amyotrophic lateral sclerosis type 12 (ALS12). Also called: AMYOTROPHIC LATERAL SCLEROSIS 12 WITH OR WITHOUT FRONTOTEMPORAL DEMENTIA. Identifiers: Orphanet 803, MedGen C3150692, MONDO:0013264, OMIM 613435.

Allele frequency attached by ClinVar (database versions not stated): gnomAD exomes 0.00013 and 0.00037; ExAC 0.00045; ESP Exome Variant Server 0.00062; TOPMed 0.00107; gnomAD 0.00109 and 0.00118; 1000 Genomes Project 30x 0.00172; 1000 Genomes Project 0.00200.
gnomAD v4.1: 380 of 1,610,656 alleles (0.024%); highest among the groups gnomAD compares: African/African-American, 0.35%; no homozygotes.

Submissions (3):

Labcorp Genetics (formerly Invitae), Labcorp
Classification: Benign for Primary open angle glaucoma; Glaucoma 1, open angle, E; Amyotrophic lateral sclerosis type 12. Last evaluated: 2025-07-26. Review status: criteria provided, single submitter. Criteria: Invitae Variant Classification Sherloc (09022015). Collection method: clinical testing. Allele origin: germline.

CeGaT Center for Human Genetics Tuebingen
Classification: Likely benign. Last evaluated: 2022-12-01. Review status: criteria provided, single submitter. Criteria: CeGaT Center For Human Genetics Tuebingen Variant Classification Criteria Version 2. Collection method: clinical testing. Allele origin: germline. Affected: yes. Observed: 1 variant allele.
Comment: OPTN: BP4, BP7

PreventionGenetics, part of Exact Sciences
Classification: Benign for OPTN-related condition. Last evaluated: 2019-08-27. Review status: no assertion criteria provided. Collection method: clinical testing. Allele origin: germline. Not counted in ClinVar's aggregate classification.
Comment: This variant is classified as benign based on ACMG/AMP sequence variant interpretation guidelines (Richards et al. 2015 PMID: 25741868, with internal and published modifications).

NM_001008212.2(OPTN):c.876G>A (p.Pro292=)

Gene: OPTN (optineurin; plus strand). Cytogenetic location: 10p13.
Variant type: single nucleotide variant.
Coding change: c.876G>A on transcript NM_001008212.2 (MANE Select); coding-DNA position 876, G replaced by A.
Protein change: p.Pro292=; no amino-acid change (proline 292 retained).
Molecular consequence: synonymous variant.
Genome position (GRCh38, 1-based): chr10:13,122,481, G>A. VCF-style: chr10-13122481-G-A. GRCh37 (hg19) VCF-style: chr10-13164481-G-A.
Other names: c.876G>A, p.Pro292= (NM_001008211.1, NM_001008213.1, NM_021980.4).
Identifiers: ClinVar variation 1611830 (VCV001611830.33), dbSNP rs151065414, ClinGen allele CA5410771.